The following is an entry in ClinVar:

ClinVar aggregate classification (germline): Uncertain significance (1 of 4 stars; one submission).

Conditions:
Amyotrophic lateral sclerosis type 4 (ALS4). Also called: NEURONOPATHY, DISTAL HEREDITARY MOTOR, WITH PYRAMIDAL FEATURES; AMYOTROPHIC LATERAL SCLEROSIS 4, JUVENILE. Identifiers: Orphanet 357043, MedGen C1865409, MONDO:0011223, OMIM 602433.
Spinocerebellar ataxia, autosomal recessive, with axonal neuropathy 2 (SCAN2). Also called: ATAXIA-OCULOMOTOR APRAXIA 2; Ataxia-ocular apraxia-2; Ataxia with Oculomotor Apraxia Type 2; Ataxia with Oculomotor Apraxia. Identifiers: Orphanet 64753, MedGen C1853761, MONDO:0018996, OMIM 606002.

Allele frequency attached by ClinVar (database versions not stated): gnomAD exomes below 0.00001; TOPMed below 0.00001.
gnomAD v4.1: 4 of 1,607,562 alleles (0.00025%); highest among the groups gnomAD compares: Non-Finnish European, 0.00034%; no homozygotes.

Submission:

Labcorp Genetics (formerly Invitae), Labcorp
Classification: Uncertain significance for Amyotrophic lateral sclerosis type 4; Spinocerebellar ataxia, autosomal recessive, with axonal neuropathy 2. Last evaluated: 2023-03-16. Review status: criteria provided, single submitter. Criteria: Invitae Variant Classification Sherloc (09022015). Collection method: clinical testing. Allele origin: germline.
Comment: In summary, the available evidence is currently insufficient to determine the role of this variant in disease. Therefore, it has been classified as a Variant of Uncertain Significance. Advanced modeling of protein sequence and biophysical properties (such as structural, functional, and spatial information, amino acid conservation, physicochemical variation, residue mobility, and thermodynamic stability) performed at Invitae indicates that this missense variant is not expected to disrupt SETX protein function. This variant has not been reported in the literature in individuals affected with SETX-related conditions. This variant is not present in population databases (gnomAD no frequency). This sequence change replaces leucine, which is neutral and non-polar, with phenylalanine, which is neutral and non-polar, at codon 874 of the SETX protein (p.Leu874Phe).

NM_015046.7(SETX):c.2622A>C (p.Leu874Phe)

Gene: SETX (senataxin; minus strand). Cytogenetic location: 9q34.13.
Variant type: single nucleotide variant.
Coding change: c.2622A>C on transcript NM_015046.7 (MANE Select); coding-DNA position 2622, A replaced by C.
Protein change: p.Leu874Phe; replaces leucine 874 with phenylalanine.
Molecular consequence: missense variant.
Genome position (GRCh38, 1-based): chr9:132,328,976, T>G on the plus strand (A>C on the coding strand, the complement: SETX is on the minus strand). VCF-style: chr9-132328976-T-G. GRCh37 (hg19) VCF-style: chr9-135204363-T-G.
Other names: c.2622A>C, p.Leu874Phe (NM_001351527.2, NM_001351528.2); short protein forms L874F.
Identifiers: ClinVar variation 2922780 (VCV002922780.3), dbSNP rs1847038457, ClinGen allele CA375334819.